The following is an entry in ClinVar:

ClinVar aggregate classification (germline): Uncertain significance. Review status: criteria provided, multiple submitters, no conflicts (2 of 4 stars). 2 submissions from 2 submitters: Uncertain significance (2). Last evaluated 2023-02-15.

Conditions:
Nephronophthisis. Also called: Juvenile Nephronophthisis. Identifiers: Orphanet 655, MedGen C0687120, MONDO:0019005, HP:0000090.
Joubert syndrome. Also called: JOUBERT-BOLTSHAUSER SYNDROME; Familial aplasia of the vermis. Identifiers: Orphanet 475, MedGen C5979921, MONDO:0018772.
Meckel-Gruber syndrome. Also called: Dysencephalia splachnocystica; DYSENCEPHALIA SPLANCHNOCYSTICA; GRUBER SYNDROME. Identifiers: Orphanet 564, MedGen C0265215, MONDO:0018921.

Submissions (2):

Blueprint Genetics
Classification: Uncertain significance. Last evaluated: 2023-02-15. Review status: criteria provided, single submitter. Criteria: ACMG Guidelines, 2015. Collection method: clinical testing. Allele origin: germline.

Labcorp Genetics (formerly Invitae), Labcorp
Classification: Uncertain significance for Joubert syndrome; Meckel-Gruber syndrome; Nephronophthisis. Last evaluated: 2021-06-09. Review status: criteria provided, single submitter. Criteria: Invitae Variant Classification Sherloc (09022015). Collection method: clinical testing. Allele origin: germline.
Comment: This variant is not present in population databases (ExAC no frequency). In summary, the available evidence is currently insufficient to determine the role of this variant in disease. Therefore, it has been classified as a Variant of Uncertain Significance. Algorithms developed to predict the effect of sequence changes on RNA splicing suggest that this variant may create or strengthen a splice site, but this prediction has not been confirmed by published transcriptional studies. Algorithms developed to predict the effect of missense changes on protein structure and function (SIFT, PolyPhen-2, Align-GVGD) all suggest that this variant is likely to be disruptive, but these predictions have not been confirmed by published functional studies and their clinical significance is uncertain. This variant has not been reported in the literature in individuals with CEP290-related conditions. This sequence change replaces aspartic acid with tyrosine at codon 978 of the CEP290 protein (p.Asp978Tyr). The aspartic acid residue is highly conserved and there is a large physicochemical difference between aspartic acid and tyrosine.

NM_025114.4(CEP290):c.2932G>T (p.Asp978Tyr)

Gene: CEP290 (centrosomal protein 290; minus strand). Cytogenetic location: 12q21.32.
Variant type: single nucleotide variant.
Coding change: c.2932G>T on transcript NM_025114.4 (MANE Select); coding-DNA position 2932, G replaced by T.
Protein change: p.Asp978Tyr; replaces aspartic acid 978 with tyrosine.
Molecular consequence: missense variant.
Genome position (GRCh38, 1-based): chr12:88,102,897, C>A on the plus strand (G>T on the coding strand, the complement: CEP290 is on the minus strand). VCF-style: chr12-88102897-C-A. GRCh37 (hg19) VCF-style: chr12-88496674-C-A.
Other names: short protein forms D978Y.
Identifiers: ClinVar variation 1400159 (VCV001400159.9), dbSNP rs2137541060, ClinGen allele CA385969357.